The following is an entry in ClinVar:

ClinVar aggregate classification (germline): Uncertain significance (1 of 4 stars; one submission).

Allele frequency attached by ClinVar (database versions not stated): gnomAD exomes below 0.00001.

Submission:

Labcorp Genetics (formerly Invitae), Labcorp
Classification: Uncertain significance. Last evaluated: 2022-05-18. Review status: criteria provided, single submitter. Criteria: Invitae Variant Classification Sherloc (09022015). Collection method: clinical testing. Allele origin: germline.
Comment: This sequence change replaces asparagine, which is neutral and polar, with serine, which is neutral and polar, at codon 536 of the FASTKD2 protein (p.Asn536Ser). This variant is not present in population databases (gnomAD no frequency). This variant has not been reported in the literature in individuals affected with FASTKD2-related conditions. Algorithms developed to predict the effect of missense changes on protein structure and function are either unavailable or do not agree on the potential impact of this missense change (SIFT: "Tolerated"; PolyPhen-2: "Probably Damaging"; Align-GVGD: "Class C0"). In summary, the available evidence is currently insufficient to determine the role of this variant in disease. Therefore, it has been classified as a Variant of Uncertain Significance.

NM_001136193.2(FASTKD2):c.1607A>G (p.Asn536Ser)

Gene: FASTKD2 (FAST kinase domains 2; plus strand). Cytogenetic location: 2q33.3.
Variant type: single nucleotide variant.
Coding change: c.1607A>G on transcript NM_001136193.2 (MANE Select); coding-DNA position 1607, A replaced by G.
Protein change: p.Asn536Ser; replaces asparagine 536 with serine.
Molecular consequence: missense variant.
Genome position (GRCh38, 1-based): chr2:206,787,949, A>G. VCF-style: chr2-206787949-A-G. GRCh37 (hg19) VCF-style: chr2-207652673-A-G.
Other names: c.1607A>G, p.Asn536Ser (NM_001136194.2, NM_014929.4); short protein forms N536S.
Identifiers: ClinVar variation 1995891 (VCV001995891.4), dbSNP rs2468839507, ClinGen allele CA350082409.